The following is an entry in ClinVar:

ClinVar aggregate classification (germline): Likely pathogenic (1 of 4 stars; one submission).

Conditions:
Ullrich congenital muscular dystrophy 2 (UCMD2). Identifiers: Orphanet 75840, MedGen C4225314, MONDO:0014654, OMIM 616470.
Bethlem myopathy 2 (BTHLM2). Identifiers: Orphanet 536516, Orphanet 610, MedGen C4225313, MONDO:0034022, OMIM 616471.

Submission:

Labcorp Genetics (formerly Invitae), Labcorp
Classification: Likely pathogenic for Bethlem myopathy 2; Ullrich congenital muscular dystrophy 2. Last evaluated: 2021-09-14. Review status: criteria provided, single submitter. Criteria: Invitae Variant Classification Sherloc (09022015). Collection method: clinical testing. Allele origin: germline.
Comment: In summary, the currently available evidence indicates that the variant is pathogenic, but additional data are needed to prove that conclusively. Therefore, this variant has been classified as Likely Pathogenic. This sequence change affects a donor splice site in intron 54 of the COL12A1 gene. It is expected to disrupt RNA splicing. Variants that disrupt the donor or acceptor splice site typically lead to a loss of protein function (PMID: 16199547), and loss-of-function variants in COL12A1 are known to be pathogenic (PMID: 24334604, 28973083). This variant is not present in population databases (ExAC no frequency). Disruption of this splice site has been observed in individual(s) with clinical features of autosomal dominant COL12A1-related conditions (PMID: 31273343; Invitae). In at least one individual the variant was observed to be de novo. Algorithms developed to predict the effect of sequence changes on RNA splicing suggest that this variant may disrupt the consensus splice site.

Literature cited by the submitters: PubMed 16199547; PubMed 24334604; PubMed 28973083; PubMed 31273343.

NM_004370.6(COL12A1):c.8265+1G>A

Gene: COL12A1 (collagen type XII alpha 1 chain; minus strand). Cytogenetic location: 6q13.
Variant type: single nucleotide variant.
Coding change: c.8265+1G>A on transcript NM_004370.6 (MANE Select); the canonical splice donor site of the intron after coding-DNA position 8265, G replaced by A.
Molecular consequence: splice donor variant.
Genome position (GRCh38, 1-based): chr6:75,105,205, C>T on the plus strand (G>A on the coding strand, the complement: COL12A1 is on the minus strand). VCF-style: chr6-75105205-C-T. GRCh37 (hg19) VCF-style: chr6-75814921-C-T.
Other names: c.4773+1G>A (NM_080645.3).
Identifiers: ClinVar variation 1467502 (VCV001467502.6), dbSNP rs2149347624, ClinGen allele CA364740294.